The following is an entry in ClinVar:

NM_020778.5(ALPK3):c.4208T>C (p.Phe1403Ser)

Gene: ALPK3 (alpha kinase 3; plus strand). Cytogenetic location: 15q25.3.
Variant type: single nucleotide variant.
Coding change: c.4208T>C on transcript NM_020778.5 (MANE Select); coding-DNA position 4208, T replaced by C.
Protein change: p.Phe1403Ser; replaces phenylalanine 1403 with serine.
Molecular consequence: missense variant.
Genome position (GRCh38, 1-based): chr15:84,862,713, T>C. VCF-style: chr15-84862713-T-C. GRCh37 (hg19) VCF-style: chr15-85405944-T-C.
Other names: short protein forms F1403S.
Identifiers: ClinVar variation 3643365 (VCV003643365.2).

ClinVar aggregate classification (germline): Uncertain significance (1 of 4 stars; one submission).

Submission:

Labcorp Genetics (formerly Invitae), Labcorp
Classification: Uncertain significance. Last evaluated: 2024-02-26. Review status: criteria provided, single submitter. Criteria: Invitae Variant Classification Sherloc (09022015). Collection method: clinical testing. Allele origin: germline.
Comment: This sequence change replaces phenylalanine, which is neutral and non-polar, with serine, which is neutral and polar, at codon 1605 of the ALPK3 protein (p.Phe1605Ser). This variant is not present in population databases (gnomAD no frequency). This variant has not been reported in the literature in individuals affected with ALPK3-related conditions. An algorithm developed to predict the effect of missense changes on protein structure and function (PolyPhen-2) suggests that this variant is likely to be disruptive. In summary, the available evidence is currently insufficient to determine the role of this variant in disease. Therefore, it has been classified as a Variant of Uncertain Significance.